The following is an entry in ClinVar:

NM_004646.4(NPHS1):c.1103C>T (p.Pro368Leu)

Gene: NPHS1 (NPHS1 adhesion molecule, nephrin; minus strand). Cytogenetic location: 19q13.12.
Variant type: single nucleotide variant.
Coding change: c.1103C>T on transcript NM_004646.4 (MANE Select); coding-DNA position 1103, C replaced by T.
Protein change: p.Pro368Leu; replaces proline 368 with leucine.
Molecular consequence: missense variant.
Genome position (GRCh38, 1-based): chr19:35,848,704, G>A on the plus strand (C>T on the coding strand, the complement: NPHS1 is on the minus strand). VCF-style: chr19-35848704-G-A. GRCh37 (hg19) VCF-style: chr19-36339606-G-A.
Other names: short protein forms P368L.
Identifiers: ClinVar variation 56424 (VCV000056424.17), dbSNP rs386833867, ClinGen allele CA250094.

ClinVar aggregate classification (germline): Likely pathogenic. Review status: criteria provided, multiple submitters, no conflicts (2 of 4 stars). 6 submissions from 6 submitters: Likely pathogenic (5). 1 of the submissions does not count toward it. Last evaluated 2025-08-06.

Conditions:
Finnish congenital nephrotic syndrome (NPHS1). Also called: NEPHROTIC SYNDROME, TYPE 1. Identifiers: Orphanet 839, MedGen C0403399, MONDO:0009732, OMIM 256300.

Allele frequency attached by ClinVar (database versions not stated): gnomAD 0.00001.

Submissions (6):

Variantyx, Inc.
Classification: Likely pathogenic for Finnish congenital nephrotic syndrome. Last evaluated: 2025-08-06. Review status: criteria provided, single submitter. Criteria: Variantyx Assertion Criteria 2022. Collection method: clinical testing. Allele origin: germline. Inheritance: Autosomal recessive inheritance. Affected: no.
Comment: This is a nonsynonymous variant in the NPHS1 gene (OMIM: 602716). Pathogenic variants in this gene have been associated with autosomal recessive nephrotic syndrome type 1. This variant has been identified in the homozygous or compound heterozygous state in at least four individuals reported in the published literature (PMID: 23595123, 11317351, 22732337, 29869118), (PM3). An alternate amino acid change at this position (p.Pro368Ser) has been previously reported in similarly affected individuals, which suggests that this residue is biologically important (PMID: 31937884, 11726550, 15213260) (PM5), and multiple computational algorithms predict a deleterious effect for this variant (REVEL score: 0.85) (PP3). The maximum allele frequency in non-founder control populations of this variant is 0.0027% (PM2). Based on the current evidence, this variant is classified as likely pathogenic for autosomal recessive nephrotic syndrome type 1.

Natera, Inc.
Classification: Likely pathogenic for Finnish congenital nephrotic syndrome. Last evaluated: 2025-06-01. Review status: criteria provided, single submitter. Criteria: Natera Variant Classification Schema (03/2026). Collection method: clinical testing. Allele origin: germline.
Comment: The c.1103C>T variant in NPHS1 is a missense variant predicted to cause substitution of proline to leucine at amino acid 368. This variant is rare in the general population with a frequency below the threshold expected for the associated phenotype(s). This variant has been observed in one or more individuals affected with the associated recessive disease, as either homozygous or compound heterozygous with a second variant (PMID: 36685964, 23595123, 29869118). Computational prediction algorithms indicate this variant is likely to affect gene or protein function. Given the available evidence, this variant is classified as Likely Pathogenic.

Genomic Medicine Center of Excellence, King Faisal Specialist Hospital and Research Centre
Classification: Likely pathogenic for Finnish congenital nephrotic syndrome. Last evaluated: 2024-04-04. Review status: criteria provided, single submitter. Criteria: ACMG Guidelines, 2015. Collection method: clinical testing. Allele origin: germline.

Labcorp Genetics (formerly Invitae), Labcorp
Classification: Likely pathogenic. Last evaluated: 2024-02-22. Review status: criteria provided, single submitter. Criteria: Invitae Variant Classification Sherloc (09022015). Collection method: clinical testing. Allele origin: germline.
Comment: This sequence change replaces proline, which is neutral and non-polar, with leucine, which is neutral and non-polar, at codon 368 of the NPHS1 protein (p.Pro368Leu). This variant is present in population databases (rs386833867, gnomAD 0.01%). This missense change has been observed in individual(s) with NPHS1-related conditions (PMID: 22732337, 23595123, 29869118). In at least one individual the data is consistent with being in trans (on the opposite chromosome) from a pathogenic variant. ClinVar contains an entry for this variant (Variation ID: 56424). Advanced modeling of protein sequence and biophysical properties (such as structural, functional, and spatial information, amino acid conservation, physicochemical variation, residue mobility, and thermodynamic stability) performed at Invitae indicates that this missense variant is expected to disrupt NPHS1 protein function with a positive predictive value of 95%. In summary, the currently available evidence indicates that the variant is pathogenic, but additional data are needed to prove that conclusively. Therefore, this variant has been classified as Likely Pathogenic.

Revvity Omics, Revvity
Classification: Likely pathogenic for Finnish congenital nephrotic syndrome. Last evaluated: 2020-04-08. Review status: criteria provided, single submitter. Criteria: ACMG Guidelines, 2015. Collection method: clinical testing. Allele origin: germline.

Juha Muilu Group; Institute for Molecular Medicine Finland (FIMM)
Classification: Likely pathogenic for Finnish congenital nephrotic syndrome. Review status: no assertion criteria provided. Collection method: not provided. Allele origin: unknown. Not counted in ClinVar's aggregate classification.
Comment: FinDis database variant: FinDis database variant: This variant was not found or characterized by our laboratory, data were collected from public sources: see reference
ClinVar note: Converted during submission from probable-pathogenic to Likely pathogenic.

Literature cited by the submitters: PubMed 23595123 (cited by 3 submitters); PubMed 11317351 (cited by Variantyx, Inc.); PubMed 22732337 (cited by Variantyx, Inc. and Labcorp Genetics (formerly Invitae), Labcorp); PubMed 29869118 (cited by 3 submitters); PubMed 31937884 (cited by Variantyx, Inc.); PubMed 11726550 (cited by Variantyx, Inc.); PubMed 15213260 (cited by Variantyx, Inc.); PubMed 36685964 (cited by Natera, Inc.).